The following is an entry in ClinVar:

NM_000051.4(ATM):c.5110G>T (p.Glu1704Ter)

Gene: ATM (ATM serine/threonine kinase; plus strand). Cytogenetic location: 11q22.3.
Variant type: single nucleotide variant.
Coding change: c.5110G>T on transcript NM_000051.4 (MANE Select); coding-DNA position 5110, G replaced by T.
Protein change: p.Glu1704Ter; replaces glutamic acid 1704 with a stop codon.
Molecular consequence: nonsense.
Genome position (GRCh38, 1-based): chr11:108,299,818, G>T. VCF-style: chr11-108299818-G-T. GRCh37 (hg19) VCF-style: chr11-108170545-G-T.
Other names: c.5110G>T, p.Glu1704Ter (NM_001351834.2); short protein forms E1704*.
Identifiers: ClinVar variation 4294110 (VCV004294110.1).

ClinVar aggregate classification (germline): Pathogenic (1 of 4 stars; one submission).

Conditions:
Familial cancer of breast. Also called: hereditary breast carcinoma; BREAST CANCER, FAMILIAL; Hereditary breast cancer. Identifiers: Orphanet 227535, MedGen C0346153, MONDO:0016419, OMIM 114480. Disease mechanism: loss of function.

Submission:

Myriad Genetics, Inc.
Classification: Pathogenic for Familial cancer of breast. Last evaluated: 2025-08-20. Review status: criteria provided, single submitter. Criteria: Myriad Autosomal Dominant, Autosomal Recessive and X-Linked Classification Criteria (2023). Collection method: clinical testing. Allele origin: unknown.
Comment: This variant is considered pathogenic. This variant creates a termination codon and is predicted to result in premature protein truncation.